The following is an entry in ClinVar:

NM_001365792.1(DAB1):c.1074C>T (p.Ala358=)

Gene: DAB1 (DAB adaptor protein 1; minus strand). Cytogenetic location: 1p32.2.
Variant type: single nucleotide variant.
Coding change: c.1074C>T on transcript NM_001365792.1 (MANE Select); coding-DNA position 1074, C replaced by T.
Protein change: p.Ala358=; no amino-acid change (alanine 358 retained).
Molecular consequence: synonymous variant.
Genome position (GRCh38, 1-based): chr1:57,015,253, G>A on the plus strand (C>T on the coding strand, the complement: DAB1 is on the minus strand). VCF-style: chr1-57015253-G-A. GRCh37 (hg19) VCF-style: chr1-57480926-G-A.
Other names: c.1074C>T, p.Ala358= (NM_001353983.2, NM_001353985.2, NM_001365793.1 and 3 more transcripts); c.1068C>T, p.Ala356= (NM_001353986.2, NM_001379461.1).
Identifiers: ClinVar variation 3053243 (VCV003053243.2), dbSNP rs143089981, ClinGen allele CA876311.

ClinVar aggregate classification (germline): Likely benign (0 of 4 stars; one submission).

Conditions:
DAB1-related disorder. Also called: DAB1-related condition.

Allele frequency attached by ClinVar (database versions not stated): ExAC 0.00021; gnomAD 0.00053; TOPMed 0.00053; 1000 Genomes Project 30x 0.00062; 1000 Genomes Project 0.00080; ESP Exome Variant Server 0.00138.
gnomAD v4.1: 169 of 1,614,068 alleles (0.01%); highest among the groups gnomAD compares: African/African-American, 0.19%; no homozygotes.

Submission:

PreventionGenetics, part of Exact Sciences
Classification: Likely benign for DAB1-related condition. Last evaluated: 2019-08-22. Review status: no assertion criteria provided. Collection method: clinical testing. Allele origin: germline.
Comment: This variant is classified as likely benign based on ACMG/AMP sequence variant interpretation guidelines (Richards et al. 2015 PMID: 25741868, with internal and published modifications).